The following is an entry in ClinVar:

ClinVar aggregate classification (germline): Benign/Likely benign. Review status: criteria provided, multiple submitters, no conflicts (2 of 4 stars). 7 submissions from 7 submitters: Benign (1); Likely benign (5). 1 of the submissions does not count toward it. Last evaluated 2026-04-17.

Conditions:
DICER1-related disorder. Also called: DICER1-related condition.
DICER1-related tumor predisposition. Also called: DICER1-related pleuropulmonary blastoma cancer predisposition syndrome; DICER1 syndrome. Identifiers: Orphanet 284343, MedGen C3839822, MONDO:0100216.
Hereditary cancer-predisposing syndrome. Also called: Hereditary Cancer Syndrome; Tumor predisposition; Neoplastic Syndromes, Hereditary; Hereditary neoplastic syndrome. Identifiers: Orphanet 140162, MedGen C0027672, MeSH D009386, MONDO:0015356.

Allele frequency attached by ClinVar (database versions not stated): ExAC 0.00002; gnomAD 0.00002 and 0.00003; TOPMed 0.00002; gnomAD exomes 0.00003.

Submissions (7):

Myriad Genetics, Inc.
Classification: Benign for DICER1-related tumor predisposition. Last evaluated: 2026-04-17. Review status: criteria provided, single submitter. Criteria: Myriad Autosomal Dominant, Autosomal Recessive and X-Linked Classification Criteria (2023). Collection method: clinical testing. Allele origin: unknown.
Comment: This variant is considered benign. This variant is a silent/synonymous amino acid change and it is not expected to impact splicing.

CeGaT Center for Human Genetics Tuebingen
Classification: Likely benign. Last evaluated: 2026-03-01. Review status: criteria provided, single submitter. Criteria: CeGaT Center For Human Genetics Tuebingen Variant Classification Criteria Version 2. Collection method: clinical testing. Allele origin: germline. Affected: yes. Observed: 2 variant alleles.
Comment: DICER1: BP4, BP7

Labcorp Genetics (formerly Invitae), Labcorp
Classification: Likely benign for DICER1-related tumor predisposition. Last evaluated: 2026-01-07. Review status: criteria provided, single submitter. Criteria: Invitae Variant Classification Sherloc (09022015). Collection method: clinical testing. Allele origin: germline.

Sema4
Classification: Likely benign for Hereditary cancer-predisposing syndrome. Last evaluated: 2021-10-07. Review status: criteria provided, single submitter. Criteria: Sema4 Curation Guidelines. Collection method: curation. Allele origin: germline.

Blueprint Genetics
Classification: Likely benign. Last evaluated: 2021-08-23. Review status: criteria provided, single submitter. Criteria: ACMG Guidelines, 2015. Collection method: clinical testing. Allele origin: germline.

Ambry Genetics
Classification: Likely benign for Hereditary cancer-predisposing syndrome. Last evaluated: 2018-06-15. Review status: criteria provided, single submitter. Criteria: Ambry Variant Classification Scheme 2023. Collection method: clinical testing. Allele origin: germline.

PreventionGenetics, part of Exact Sciences
Classification: Likely benign for DICER1-related condition. Last evaluated: 2023-10-04. Review status: no assertion criteria provided. Collection method: clinical testing. Allele origin: germline. Not counted in ClinVar's aggregate classification.
Comment: This variant is classified as likely benign based on ACMG/AMP sequence variant interpretation guidelines (Richards et al. 2015 PMID: 25741868, with internal and published modifications).

NM_177438.3(DICER1):c.3993A>G (p.Leu1331=)

Gene: DICER1 (dicer 1, ribonuclease III; minus strand). Cytogenetic location: 14q32.13.
Variant type: single nucleotide variant.
Coding change: c.3993A>G on transcript NM_177438.3 (MANE Select); coding-DNA position 3993, A replaced by G.
Protein change: p.Leu1331=; no amino-acid change (leucine 1331 retained).
Molecular consequence: synonymous variant.
Genome position (GRCh38, 1-based): chr14:95,103,403, T>C on the plus strand (A>G on the coding strand, the complement: DICER1 is on the minus strand). VCF-style: chr14-95103403-T-C. GRCh37 (hg19) VCF-style: chr14-95569740-T-C.
Other names: c.3993A>G, p.Leu1331= (NM_001195573.1, NM_001271282.3, NM_001291628.2 and 1 more transcripts).
Identifiers: ClinVar variation 543686 (VCV000543686.43), dbSNP rs779318741, ClinGen allele CA7330963.